The following is an entry in ClinVar:

NM_004655.4(AXIN2):c.420G>A (p.Glu140=)

Gene: AXIN2 (axin 2; minus strand). Cytogenetic location: 17q24.1.
Variant type: single nucleotide variant.
Coding change: c.420G>A on transcript NM_004655.4 (MANE Select); coding-DNA position 420, G replaced by A.
Protein change: p.Glu140=; no amino-acid change (glutamic acid 140 retained).
Molecular consequence: synonymous variant.
Genome position (GRCh38, 1-based): chr17:65,558,201, C>T on the plus strand (G>A on the coding strand, the complement: AXIN2 is on the minus strand). VCF-style: chr17-65558201-C-T. GRCh37 (hg19) VCF-style: chr17-63554319-C-T.
Other names: c.420G>A, p.Glu140= (NM_001363813.1).
Identifiers: ClinVar variation 3254247 (VCV003254247.1), dbSNP rs2144586352.

ClinVar aggregate classification (germline): Benign (1 of 4 stars; one submission).

Conditions:
Oligodontia-cancer predisposition syndrome. Also called: TOOTH AGENESIS-COLORECTAL CANCER SYNDROME. Identifiers: Orphanet 300576, MedGen C1837750, MONDO:0012075, OMIM 608615. Disease mechanism: loss of function.

Submission:

Myriad Genetics, Inc.
Classification: Benign for Oligodontia-cancer predisposition syndrome. Last evaluated: 2024-06-26. Review status: criteria provided, single submitter. Criteria: Myriad Autosomal Dominant, Autosomal Recessive and X-Linked Classification Criteria (2023). Collection method: clinical testing. Allele origin: unknown.
Comment: This variant is considered benign. This variant is a silent/synonymous amino acid change and it is not expected to impact splicing.